The following is an entry in ClinVar:

ClinVar aggregate classification (somatic clinical impact): Tier II - Potential (1 of 4 stars; one submission).

Conditions:
Alveolar soft part sarcoma (ASPS). Also called: Alveolar soft part sarcoma (disease). Identifiers: Orphanet 163699, MedGen C0206657, MONDO:0011655, OMIM 606243, HP:0012218.

Submission:

Institute for Genomic Medicine (IGM) Clinical Laboratory, Nationwide Children's Hospital
Classification: Tier II - Potential for Alveolar soft part sarcoma. Assertion type: diagnostic. Clinical significance: supports diagnosis. Last evaluated: 2025-10-16. Review status: criteria provided, single submitter. Criteria: AMP/ASCO/CAP Guidelines, 2017. Collection method: clinical testing. Allele origin: somatic. Affected: yes.
Comment: Variant has Tier II (potential) clinical significance as a diagnostic inclusion criterion in alveolar soft part sarcoma, based on the following evidence: 1) Documented in one or more cancer databases (e.g., St. Jude Pecan, COSMIC, CIViC, OncoKB). 2) Assists in diagnosis alone or along with other biomarkers based on small studies or few case reports (Evidence Level D; PMIDs: 25006131, 34157074, 35287703).

Literature cited by the submitters: PubMed 25006131; PubMed 34157074; PubMed 35287703.

NM_006265.3(RAD21):c.1540_1562del (p.Gln514fs)

Gene: RAD21 (RAD21 cohesin complex component; minus strand). Cytogenetic location: 8q24.11.
Variant type: Deletion.
Coding change: c.1540_1562del on transcript NM_006265.3 (MANE Select); coding-DNA positions 1540 to 1562, 23 bases deleted (CAGCTAATACCAGAGTTAGAACT).
Protein change: p.Gln514fs; shifts the reading frame from glutamine 514.
Molecular consequence: frameshift variant.
Genome position (GRCh38, 1-based): chr8:116,850,676-116,850,698, AGTTCTAACTCTGGTATTAGCTG deleted on the plus strand (CAGCTAATACCAGAGTTAGAACT on the coding strand, the reverse complement: RAD21 is on the minus strand); deleting any 23 consecutive bases within chr8:116,850,676-116,850,699 gives the same sequence; the c. name uses the placement nearest the transcript's 3' end. VCF-style (leftmost placement, unchanged base first): chr8-116850675-AAGTTCTAACTCTGGTATTAGCTG-A. GRCh37 (hg19) VCF-style: chr8-117862914-AAGTTCTAACTCTGGTATTAGCTG-A.
Other names: short protein forms Q514fs.
Identifiers: ClinVar variation 4530315 (VCV004530315.1).